The following is an entry in ClinVar:

ClinVar aggregate classification (germline): Pathogenic (1 of 4 stars; one submission).

Conditions:
Renal tubular acidosis, distal, 3, with or without sensorineural hearing loss (DRTA3). Identifiers: MedGen C5399980, MONDO:0011268, OMIM 602722.

Submission:

3billion
Classification: Pathogenic for Renal tubular acidosis, distal, 3, with or without sensorineural hearing loss. Last evaluated: 2025-06-19. Review status: criteria provided, single submitter. Criteria: ACMG Guidelines, 2015. Collection method: clinical testing. Allele origin: germline. Affected: yes.
Comment: The variant is not observed in the gnomAD v4.1.0 dataset. Predicted Consequence/Location: Frameshift: predicted to result in a loss or disruption of normal protein function through nonsense-mediated decay (NMD) or protein truncation. Multiple pathogenic variants are reported downstream of the variant. The variant has been reported to be associated with ATP6V0A4-related disorder (PMID: 22854161). Therefore, this variant is classified as Pathogenic according to the recommendation of ACMG/AMP guideline.

Literature cited by the submitters: PubMed 22854161.

NM_020632.3(ATP6V0A4):c.1221del (p.Met408fs)

Gene: ATP6V0A4 (ATPase H+ transporting V0 subunit a4; minus strand). Cytogenetic location: 7q34.
Variant type: Deletion.
Coding change: c.1221del on transcript NM_020632.3 (MANE Select); coding-DNA position 1221, one base deleted (G; older notation c.1221delG).
Protein change: p.Met408fs; shifts the reading frame from methionine 408.
Molecular consequence: frameshift variant.
Genome position (GRCh38, 1-based): chr7:138,747,524, C deleted on the plus strand (G on the coding strand, the reverse complement: ATP6V0A4 is on the minus strand). VCF-style (leftmost placement, unchanged base first): chr7-138747523-TC-T. GRCh37 (hg19) VCF-style: chr7-138432268-TC-T.
Other names: c.1221del, p.Met408fs (NM_130840.3, NM_130841.3); short protein forms M408fs.
Identifiers: ClinVar variation 4854629 (VCV004854629.1).
Genomic context (GRCh38, chr7:138,747,523, plus strand): 5'-TCAGAATCATCCAAAGTGCAGCCAGGAGCATCACGGTTCCATGACCACAGTCTCCAAACA[TC>T]ACAGCGAACAGGAAGGGGAAAGTGATGATGGTGTAGGGGGCTGCGGAGGGGAGACACACA-3'